The following is an entry in ClinVar:

NM_001038.6(SCNN1A):c.1554-6C>T

Gene: SCNN1A (sodium channel epithelial 1 subunit alpha; minus strand). Cytogenetic location: 12p13.31.
Variant type: single nucleotide variant.
Coding change: c.1554-6C>T on transcript NM_001038.6 (MANE Select); 6 bases into the intron before coding-DNA position 1554, C replaced by T.
Molecular consequence: intron variant.
Genome position (GRCh38, 1-based): chr12:6,348,808, G>A on the plus strand (C>T on the coding strand, the complement: SCNN1A is on the minus strand). VCF-style: chr12-6348808-G-A. GRCh37 (hg19) VCF-style: chr12-6457974-G-A.
Other names: c.1623-6C>T (NM_001159575.2); c.1731-6C>T (NM_001159576.2).
Identifiers: ClinVar variation 310135 (VCV000310135.8), dbSNP rs376456435, ClinGen allele CA6405777.

ClinVar aggregate classification (germline): Conflicting classifications of pathogenicity. Review status: criteria provided, conflicting classifications (1 of 4 stars). 3 submissions from 2 submitters: Uncertain significance (1); Benign (2). Last evaluated 2025-11-23.

Conditions:
Pseudohypoaldosteronism, type IB1, autosomal recessive. Also called: Pseudohypoaldosteronism, Type I, Autosomal Recessive; PHA I, AUTOSOMAL RECESSIVE; Pseudohypoaldosteronism, Type I, Recessive; Autosomal recessive pseudohypoaldosteronism type 1. Identifiers: Orphanet 171876, Orphanet 756, MedGen C5774176, MONDO:0009917, OMIM 264350.
Bronchiectasis with or without elevated sweat chloride 2 (BESC2). Identifiers: Orphanet 60033, MedGen C2751666, MONDO:0013087, OMIM 613021.

Allele frequency attached by ClinVar (database versions not stated): 1000 Genomes Project below 0.00001; ESP Exome Variant Server 0.00008; gnomAD 0.00019 and 0.00020; TOPMed 0.00022; gnomAD exomes 0.00028; ExAC 0.00030.
gnomAD v4.1: 124 of 1,613,606 alleles (0.0077%); highest among the groups gnomAD compares: East Asian, 0.19%; 1 homozygote.

Submissions (4):

Labcorp Genetics (formerly Invitae), Labcorp
Classification: Benign. Last evaluated: 2025-11-23. Review status: criteria provided, single submitter. Criteria: Invitae Variant Classification Sherloc (09022015). Collection method: clinical testing. Allele origin: germline.

Illumina Laboratory Services, Illumina
Classification: Benign for Bronchiectasis with or without elevated sweat chloride 2. Last evaluated: 2018-01-13. Review status: criteria provided, single submitter. Criteria: ICSL Variant Classification Criteria 13 December 2019. Collection method: clinical testing. Allele origin: germline.
Comment: This variant was observed in the ICSL laboratory as part of a predisposition screen in an ostensibly healthy population. It had not been previously curated by ICSL or reported in the Human Gene Mutation Database (HGMD: prior to June 1st, 2018), and was therefore a candidate for classification through an automated scoring system. Utilizing variant allele frequency, disease prevalence and penetrance estimates, and inheritance mode, an automated score was calculated to assess if this variant is too frequent to cause the disease. Based on the score and internal cut-off values, a variant classified as benign is not then subjected to further curation. The score for this variant resulted in a classification of benign for this disease.

Illumina Laboratory Services, Illumina
Classification: Uncertain significance for Pseudohypoaldosteronism, type IB1, autosomal recessive. Last evaluated: 2018-01-13. Review status: criteria provided, single submitter. Criteria: ICSL Variant Classification Criteria 13 December 2019. Collection method: clinical testing. Allele origin: germline.

Dr. Peter K. Rogan Lab, Western University
No classification provided (evidence only). Condition: Malignant tumor of urinary bladder. Review status: no classification provided. Collection method: in vitro. Allele origin: not applicable. Functional consequence: retained intron. Not counted in ClinVar's aggregate classification.